The following is an entry in ClinVar:

ClinVar aggregate classification (germline): Uncertain significance (1 of 4 stars; one submission).

Conditions:
Fanconi anemia (FA). Also called: Fanconi's anemia. Identifiers: Orphanet 84, MedGen C0015625, MeSH D005199, MONDO:0019391.

Allele frequency attached by ClinVar (database versions not stated): gnomAD exomes 0.00001.
gnomAD v4.1: 9 of 1,609,364 alleles (0.00056%); highest among the groups gnomAD compares: South Asian, 0.0011%; no homozygotes.

Submission:

Labcorp Genetics (formerly Invitae), Labcorp
Classification: Uncertain significance for Fanconi anemia. Last evaluated: 2021-09-24. Review status: criteria provided, single submitter. Criteria: Invitae Variant Classification Sherloc (09022015). Collection method: clinical testing. Allele origin: germline.
Comment: This sequence change replaces histidine with arginine at codon 36 of the FANCD2 protein (p.His36Arg). The histidine residue is weakly conserved and there is a small physicochemical difference between histidine and arginine. This variant is not present in population databases (ExAC no frequency). This variant has not been reported in the literature in individuals with FANCD2-related conditions. Algorithms developed to predict the effect of missense changes on protein structure and function output the following: SIFT: "Tolerated"; PolyPhen-2: "Benign"; Align-GVGD: "Class C0". The arginine amino acid residue is found in multiple mammalian species, suggesting that this missense change does not adversely affect protein function. These predictions have not been confirmed by published functional studies and their clinical significance is uncertain. In summary, the available evidence is currently insufficient to determine the role of this variant in disease. Therefore, it has been classified as a Variant of Uncertain Significance.

NM_001018115.3(FANCD2):c.107A>G (p.His36Arg)

Genes: FANCD2 (FA complementation group D2; plus strand), LOC107303338 (3p25 FANCD2 Alu-mediated recombination region; plus strand). Cytogenetic location: 3p25.3.
Variant type: single nucleotide variant.
Coding change: c.107A>G on transcript NM_001018115.3 (MANE Select); coding-DNA position 107, A replaced by G.
Protein change: p.His36Arg; replaces histidine 36 with arginine.
Molecular consequence: missense variant.
Genome position (GRCh38, 1-based): chr3:10,032,874, A>G. VCF-style: chr3-10032874-A-G. GRCh37 (hg19) VCF-style: chr3-10074558-A-G.
Other names: c.107A>G, p.His36Arg (NM_001319984.2, NM_001374253.1, NM_001374254.1 and 2 more transcripts); short protein forms H36R.
Identifiers: ClinVar variation 1414004 (VCV001414004.5), dbSNP rs2124970667, ClinGen allele CA351718114.